The following is an entry in ClinVar:

NM_005591.4(MRE11):c.820C>G (p.Leu274Val)

Gene: MRE11 (MRE11 double strand break repair nuclease; minus strand). Cytogenetic location: 11q21.
Variant type: single nucleotide variant.
Coding change: c.820C>G on transcript NM_005591.4 (MANE Select); coding-DNA position 820, C replaced by G.
Protein change: p.Leu274Val; replaces leucine 274 with valine.
Molecular consequence: missense variant.
Genome position (GRCh38, 1-based): chr11:94,471,599, G>C on the plus strand (C>G on the coding strand, the complement: MRE11 is on the minus strand). VCF-style: chr11-94471599-G-C. GRCh37 (hg19) VCF-style: chr11-94204765-G-C.
Other names: c.820C>G, p.Leu274Val (NM_001330347.2, NM_005590.4); short protein forms L274V.
Identifiers: ClinVar variation 827508 (VCV000827508.14), dbSNP rs1555013057, ClinGen allele CA382375517.

ClinVar aggregate classification (germline): Uncertain significance. Review status: criteria provided, multiple submitters, no conflicts (2 of 4 stars). 2 submissions from 2 submitters: Uncertain significance (2). Last evaluated 2023-07-09.

Conditions:
Hereditary cancer-predisposing syndrome. Also called: Neoplastic Syndromes, Hereditary; Tumor predisposition; Hereditary neoplastic syndrome; Hereditary Cancer Syndrome. Identifiers: Orphanet 140162, MedGen C0027672, MeSH D009386, MONDO:0015356.
Ataxia-telangiectasia-like disorder (ATLD). Identifiers: MedGen C1858391, MONDO:0011457.

Allele frequency attached by ClinVar (database versions not stated): gnomAD exomes below 0.00001.
gnomAD v4.1: 4 of 1,612,560 alleles (0.00025%); highest among the groups gnomAD compares: South Asian, 0.0011%; no homozygotes.

Submissions (2):

Ambry Genetics
Classification: Uncertain significance for Hereditary cancer-predisposing syndrome. Last evaluated: 2023-07-09. Review status: criteria provided, single submitter. Criteria: Ambry Variant Classification Scheme 2023. Collection method: clinical testing. Allele origin: germline.
Comment: The p.L274V variant (also known as c.820C>G), located in coding exon 7 of the MRE11A gene, results from a C to G substitution at nucleotide position 820. The leucine at codon 274 is replaced by valine, an amino acid with highly similar properties. This amino acid position is highly conserved in available vertebrate species. In addition, this alteration is predicted to be deleterious by in silico analysis. Since supporting evidence is limited at this time, the clinical significance of this alteration remains unclear.

Labcorp Genetics (formerly Invitae), Labcorp
Classification: Uncertain significance for Ataxia-telangiectasia-like disorder. Last evaluated: 2019-06-15. Review status: criteria provided, single submitter. Criteria: Invitae Variant Classification Sherloc (09022015). Collection method: clinical testing. Allele origin: germline.
Comment: This sequence change replaces leucine with valine at codon 274 of the MRE11 protein (p.Leu274Val). The leucine residue is highly conserved and there is a small physicochemical difference between leucine and valine. This variant is not present in population databases (ExAC no frequency). This variant has not been reported in the literature in individuals with MRE11-related conditions. Algorithms developed to predict the effect of missense changes on protein structure and function (SIFT, PolyPhen-2, Align-GVGD) all suggest that this variant is likely to be disruptive, but these predictions have not been confirmed by published functional studies and their clinical significance is uncertain. In summary, the available evidence is currently insufficient to determine the role of this variant in disease. Therefore, it has been classified as a Variant of Uncertain Significance.